The following is an entry in ClinVar:

NM_001853.4(COL9A3):c.1757C>G (p.Thr586Ser)

Gene: COL9A3 (collagen type IX alpha 3 chain; plus strand). Cytogenetic location: 20q13.33.
Variant type: single nucleotide variant.
Coding change: c.1757C>G on transcript NM_001853.4 (MANE Select); coding-DNA position 1757, C replaced by G.
Protein change: p.Thr586Ser; replaces threonine 586 with serine.
Molecular consequence: missense variant.
Genome position (GRCh38, 1-based): chr20:62,837,236, C>G. VCF-style: chr20-62837236-C-G. GRCh37 (hg19) VCF-style: chr20-61468588-C-G.
Other names: short protein forms T586S.
Identifiers: ClinVar variation 3253247 (VCV003253247.2), dbSNP rs776983973.

ClinVar aggregate classification (germline): Uncertain significance. Review status: criteria provided, multiple submitters, no conflicts (2 of 4 stars). 2 submissions from 2 submitters: Uncertain significance (2). Last evaluated 2025-10-16.

gnomAD v4.1: 3 of 1,611,482 alleles (0.00019%); highest among the groups gnomAD compares: Admixed American, 0.0017%; no homozygotes.

Submissions (2):

Labcorp Genetics (formerly Invitae), Labcorp
Classification: Uncertain significance. Last evaluated: 2025-10-16. Review status: criteria provided, single submitter. Criteria: Invitae Variant Classification Sherloc (09022015). Collection method: clinical testing. Allele origin: germline.
Comment: This sequence change replaces threonine, which is neutral and polar, with serine, which is neutral and polar, at codon 586 of the COL9A3 protein (p.Thr586Ser). This variant is not present in population databases (gnomAD no frequency). This variant has not been reported in the literature in individuals affected with COL9A3-related conditions. ClinVar contains an entry for this variant (Variation ID: 3253247). Invitae Evidence Modeling of protein sequence and biophysical properties (such as structural, functional, and spatial information, amino acid conservation, physicochemical variation, residue mobility, and thermodynamic stability) indicates that this missense variant is not expected to disrupt COL9A3 protein function with a negative predictive value of 95%. In summary, the available evidence is currently insufficient to determine the role of this variant in disease. Therefore, it has been classified as a Variant of Uncertain Significance.

GeneDx
Classification: Uncertain significance. Last evaluated: 2023-12-07. Review status: criteria provided, single submitter. Criteria: GeneDx Variant Classification Process June 2021. Collection method: clinical testing. Allele origin: germline. Affected: yes.
Comment: Has not been previously published as pathogenic or benign to our knowledge; Not observed at significant frequency in large population cohorts (gnomAD); In silico analysis supports that this missense variant does not alter protein structure/function